The following is an entry in ClinVar:

ClinVar aggregate classification (germline): Uncertain significance (1 of 4 stars; one submission).

Conditions:
Adenylosuccinate lyase deficiency (ADSLD). Also called: ADSL DEFICIENCY. Identifiers: Orphanet 46, MedGen C0268126, MONDO:0007068, OMIM 103050.

Allele frequency attached by ClinVar (database versions not stated): TOPMed 0.00001.

Submission:

Labcorp Genetics (formerly Invitae), Labcorp
Classification: Uncertain significance for Adenylosuccinate lyase deficiency. Last evaluated: 2021-12-28. Review status: criteria provided, single submitter. Criteria: Invitae Variant Classification Sherloc (09022015). Collection method: clinical testing. Allele origin: germline.
Comment: This variant occurs in a non-coding region of the ADSL gene. It does not change the encoded amino acid sequence of the ADSL protein. This variant is not present in population databases (gnomAD no frequency). This variant has not been reported in the literature in individuals affected with ADSL-related conditions. Experimental studies and prediction algorithms are not available or were not evaluated, and the functional significance of this variant is currently unknown. In summary, the available evidence is currently insufficient to determine the role of this variant in disease. Therefore, it has been classified as a Variant of Uncertain Significance.

NC_000022.11:g.40346389G>A

Gene: ADSL (adenylosuccinate lyase; plus strand). Cytogenetic location: 22q13.1.
Variant type: single nucleotide variant.
Genome position: GRCh38 VCF-style: chr22-40346389-G-A. GRCh37 (hg19) VCF-style: chr22-40742393-G-A.
Identifiers: ClinVar variation 2196175 (VCV002196175.2), dbSNP rs2044136336, ClinGen allele CA1025767567.